The following is an entry in ClinVar:

ClinVar aggregate classification (germline): Uncertain significance (1 of 4 stars; one submission).

Submission:

Labcorp Genetics (formerly Invitae), Labcorp
Classification: Uncertain significance. Last evaluated: 2025-08-21. Review status: criteria provided, single submitter. Criteria: Invitae Variant Classification Sherloc (09022015). Collection method: clinical testing. Allele origin: germline.
Comment: This sequence change replaces phenylalanine, which is neutral and non-polar, with serine, which is neutral and polar, at codon 488 of the TWNK protein (p.Phe488Ser). This variant is not present in population databases (gnomAD no frequency). This variant has not been reported in the literature in individuals affected with TWNK-related conditions. ClinVar contains an entry for this variant (Variation ID: 1938311). Invitae Evidence Modeling of protein sequence and biophysical properties (such as structural, functional, and spatial information, amino acid conservation, physicochemical variation, residue mobility, and thermodynamic stability) indicates that this missense variant is expected to disrupt TWNK protein function with a positive predictive value of 95%. In summary, the available evidence is currently insufficient to determine the role of this variant in disease. Therefore, it has been classified as a Variant of Uncertain Significance.

NM_021830.5(TWNK):c.1463T>C (p.Phe488Ser)

Gene: TWNK (twinkle mtDNA helicase; plus strand). Cytogenetic location: 10q24.31.
Variant type: single nucleotide variant.
Coding change: c.1463T>C on transcript NM_021830.5 (MANE Select); coding-DNA position 1463, T replaced by C.
Protein change: p.Phe488Ser; replaces phenylalanine 488 with serine.
Molecular consequence: missense variant. On other transcripts: non-coding transcript variant (5).
Genome position (GRCh38, 1-based): chr10:100,989,863, T>C. VCF-style: chr10-100989863-T-C. GRCh37 (hg19) VCF-style: chr10-102749620-T-C.
Other names: c.1463T>C, p.Phe488Ser (NM_001163812.2); c.101T>C, p.Phe34Ser (NM_001163813.2, NM_001163814.2, NM_001368275.1); short protein forms F34S, F488S.
Identifiers: ClinVar variation 1938311 (VCV001938311.5), dbSNP rs2493637237, ClinGen allele CA378210964.